The following is an entry in ClinVar:

ClinVar aggregate classification (germline): Uncertain significance (1 of 4 stars; one submission).

Conditions:
Cardiovascular phenotype. Identifiers: MedGen CN230736.

Allele frequency attached by ClinVar (database versions not stated): 1000 Genomes Project 0.00020; 1000 Genomes Project 30x 0.00031.
gnomAD v4.1: 15 of 1,549,720 alleles (0.00097%); highest among the groups gnomAD compares: South Asian, 0.015%; no homozygotes.

Submission:

Ambry Genetics
Classification: Uncertain significance for Cardiovascular phenotype. Last evaluated: 2022-06-02. Review status: criteria provided, single submitter. Criteria: Ambry Variant Classification Scheme 2023. Collection method: clinical testing. Allele origin: germline.
Comment: The p.P2077L variant (also known as c.6230C>T), located in coding exon 2 of the ZNF469 gene, results from a C to T substitution at nucleotide position 6230. The proline at codon 2077 is replaced by leucine, an amino acid with similar properties. This amino acid position is conserved. In addition, this alteration is predicted to be tolerated by in silico analysis. Since supporting evidence is limited at this time, the clinical significance of this alteration remains unclear.

NM_001367624.2(ZNF469):c.6314C>T (p.Pro2105Leu)

Gene: ZNF469 (zinc finger protein 469; plus strand). Cytogenetic location: 16q24.2.
Variant type: single nucleotide variant.
Coding change: c.6314C>T on transcript NM_001367624.2 (MANE Select); coding-DNA position 6314, C replaced by T.
Protein change: p.Pro2105Leu; replaces proline 2105 with leucine.
Molecular consequence: missense variant.
Genome position (GRCh38, 1-based): chr16:88,433,784, C>T. VCF-style: chr16-88433784-C-T. GRCh37 (hg19) VCF-style: chr16-88500192-C-T.
Other names: NM_001127464.1:c.6230C>T; short protein forms P2105L.
Identifiers: ClinVar variation 1752339 (VCV001752339.2), dbSNP rs543961799, ClinGen allele CA286381385.
Genomic context (GRCh38, chr16:88,433,784, plus strand): 5'-AGAGGGCGTCCAGCCCCGGCCTGAACAAGCCACTGCTGGCCACAGGGGATAGCCCAGCAC[C>T]CTCTGTCGGGGACCTGGCCGCCTGCGCCCCCTCACCCACTTCAGCCGCCCACATGCCCTG-3'
Protein context (NP_001354553.1, residues 2095-2115): PLLATGDSPA[Pro2105Leu]SVGDLAACAP